The following is an entry in ClinVar:

NM_201384.3(PLEC):c.6641C>T (p.Ala2214Val)

Gene: PLEC (plectin; minus strand). Cytogenetic location: 8q24.3.
Variant type: single nucleotide variant.
Coding change: c.6641C>T on transcript NM_201384.3 (MANE Select); coding-DNA position 6641, C replaced by T.
Protein change: p.Ala2214Val; replaces alanine 2214 with valine.
Molecular consequence: missense variant. On other transcripts: intron variant (1).
Genome position (GRCh38, 1-based): chr8:143,923,288, G>A on the plus strand (C>T on the coding strand, the complement: PLEC is on the minus strand). VCF-style: chr8-143923288-G-A. GRCh37 (hg19) VCF-style: chr8-144997456-G-A.
Other names: c.6722C>T, p.Ala2241Val (NM_000445.5); c.6599C>T, p.Ala2200Val (NM_201378.4); c.6575C>T, p.Ala2192Val (NM_201379.3); c.7052C>T, p.Ala2351Val (NM_201380.4); c.6545C>T, p.Ala2182Val (NM_201381.3); c.6641C>T, p.Ala2214Val (NM_201382.4); c.6653C>T, p.Ala2218Val (NM_201383.3); c.4126-893C>T (NM_001410941.1); short protein forms A2182V, A2192V, A2200V, A2214V, A2218V, A2241V, A2351V.
Identifiers: ClinVar variation 3752698 (VCV003752698.2).
Genomic context (GRCh38, chr8:143,923,288, plus strand): 5'-CGCACCGAGAAGAGCTCCTCCTCCACCTGGCTGCGCTGGCGTGCGGCCTCCGTGGCCTCC[G>A]CCTTCAGCCGCTGCAGCTCCTCGTCCAGCAGGTTCTTCTGGTGGTCGGTCTCCTCCAGCT-3'
Protein context (NP_958786.1, residues 2204-2224): LLDEELQRLK[Ala2214Val]EATEAARQRS

ClinVar aggregate classification (germline): Uncertain significance (1 of 4 stars; one submission).

Conditions:
Epidermolysis bullosa simplex with nail dystrophy (EBS5D). Identifiers: MedGen C4225309, MONDO:0014661, OMIM 616487.
Epidermolysis bullosa simplex, Ogna type (EBS5A). Also called: Pidermolysis bullosa simplex 5A, Ogna type; EPIDERMOLYSIS BULLOSA SIMPLEX 5A, OGNA TYPE. Identifiers: Orphanet 79401, MedGen C0432317, MONDO:0007555, OMIM 131950.
Autosomal recessive limb-girdle muscular dystrophy type 2Q (LGMDR17). Also called: MUSCULAR DYSTROPHY, LIMB-GIRDLE, AUTOSOMAL RECESSIVE 17. Identifiers: Orphanet 254361, MedGen C3150989, MONDO:0013390, OMIM 613723.
Epidermolysis bullosa simplex 5B, with muscular dystrophy (EBS5B). Also called: EPIDERMOLYSIS BULLOSA SIMPLEX AND LIMB-GIRDLE MUSCULAR DYSTROPHY; Epidermolysis bullosa simplex with muscular dystrophy. Identifiers: Orphanet 257, MedGen C2931072, MONDO:0009181, OMIM 226670.
Epidermolysis bullosa simplex 5C, with pyloric atresia (EBS5C). Also called: PLEC-Related Epidermolysis Bullosa with Pyloric Atresia; Epidermolysis bullosa simplex with pyloric atresia; PLEC1-Related Epidermolysis Bullosa with Pyloric Atresia. Identifiers: Orphanet 158684, MedGen C2677349, MONDO:0012807, OMIM 612138.

gnomAD v4.1: 28 of 1,607,826 alleles (0.0017%); highest among the groups gnomAD compares: South Asian, 0.0088%; no homozygotes.

Submission:

Labcorp Genetics (formerly Invitae), Labcorp
Classification: Uncertain significance for Autosomal recessive limb-girdle muscular dystrophy type 2Q; Epidermolysis bullosa simplex, Ogna type; Epidermolysis bullosa simplex with nail dystrophy; Epidermolysis bullosa simplex 5C, with pyloric atresia; Epidermolysis bullosa simplex 5B, with muscular dystrophy. Last evaluated: 2024-01-26. Review status: criteria provided, single submitter. Criteria: Invitae Variant Classification Sherloc (09022015). Collection method: clinical testing. Allele origin: germline.
Comment: This sequence change replaces alanine, which is neutral and non-polar, with valine, which is neutral and non-polar, at codon 2241 of the PLEC protein (p.Ala2241Val). This variant is present in population databases (rs781956194, gnomAD 0.007%). This variant has not been reported in the literature in individuals affected with PLEC-related conditions. An algorithm developed to predict the effect of missense changes on protein structure and function (PolyPhen-2) suggests that this variant is likely to be disruptive. In summary, the available evidence is currently insufficient to determine the role of this variant in disease. Therefore, it has been classified as a Variant of Uncertain Significance.